The following is an entry in ClinVar:

ClinVar aggregate classification (germline): Pathogenic/Likely pathogenic. Review status: criteria provided, multiple submitters, no conflicts (2 of 4 stars). 2 submissions from 2 submitters: Pathogenic (1); Likely pathogenic (1). Last evaluated 2025-07-14.

Conditions:
Dystonia 9 (DYT9). Also called: CHOREOATHETOSIS, KINESIGENIC, WITH EPISODIC ATAXIA AND SPASTICITY. Identifiers: Orphanet 53583, MedGen C1832855, MONDO:0010983, OMIM 601042.

Submissions (2):

GeneDx
Classification: Likely pathogenic. Last evaluated: 2025-07-14. Review status: criteria provided, single submitter. Criteria: GeneDx Variant Classification Process June 2021. Collection method: clinical testing. Allele origin: germline. Affected: yes.
Comment: De novo variant with confirmed parentage in a patient with a developmental disorder (PMID: 35982159); Reported in patients with Glut1-DS (PMID: 35388452, 36088537); In silico analysis supports that this missense variant has a deleterious effect on protein structure/function; Not observed at significant frequency in large population cohorts (gnomAD); This variant is associated with the following publications: (PMID: 35388452, 36088537, 33057194, 35982159)

Mendelics
Classification: Pathogenic for Dystonia 9. Last evaluated: 2022-05-04. Review status: criteria provided, single submitter. Criteria: Mendelics Assertion Criteria 2019. Collection method: clinical testing. Allele origin: germline.

NM_006516.4(SLC2A1):c.524G>T (p.Gly175Val)

Gene: SLC2A1 (solute carrier family 2 member 1; minus strand). Cytogenetic location: 1p34.2.
Variant type: single nucleotide variant.
Coding change: c.524G>T on transcript NM_006516.4 (MANE Select); coding-DNA position 524, G replaced by T.
Protein change: p.Gly175Val; replaces glycine 175 with valine.
Molecular consequence: missense variant.
Genome position (GRCh38, 1-based): chr1:42,930,028, C>A on the plus strand (G>T on the coding strand, the complement: SLC2A1 is on the minus strand). VCF-style: chr1-42930028-C-A. GRCh37 (hg19) VCF-style: chr1-43395699-C-A.
Other names: c.524G>T (NM_006516.2); short protein forms G175V.
Identifiers: ClinVar variation 1686202 (VCV001686202.2), dbSNP rs2124449452, ClinGen allele CA339958910.